The following is an entry in ClinVar:

NM_004484.4(GPC3):c.1571C>A (p.Ala524Glu)

Gene: GPC3 (glypican 3; minus strand). Cytogenetic location: Xq26.2.
Variant type: single nucleotide variant.
Coding change: c.1571C>A on transcript NM_004484.4 (MANE Select); coding-DNA position 1571, C replaced by A.
Protein change: p.Ala524Glu; replaces alanine 524 with glutamic acid.
Molecular consequence: missense variant.
Genome position (GRCh38, 1-based): chrX:133,596,442, G>T on the plus strand (C>A on the coding strand, the complement: GPC3 is on the minus strand). VCF-style: chrX-133596442-G-T. GRCh37 (hg19) VCF-style: chrX-132730470-G-T.
Other names: c.1640C>A, p.Ala547Glu (NM_001164617.2); c.1523C>A, p.Ala508Glu (NM_001164618.2); c.1409C>A, p.Ala470Glu (NM_001164619.2); short protein forms A547E, A524E, A470E, A508E.
Identifiers: ClinVar variation 2914704 (VCV002914704.3), dbSNP rs2124330791, ClinGen allele CA414700648.

ClinVar aggregate classification (germline): Uncertain significance (1 of 4 stars; one submission).

Conditions:
Wilms tumor 1 (WT1). Also called: Wilms tumor, somatic. Identifiers: Orphanet 654, MedGen CN033288, MONDO:0008679, OMIM 194070.

Allele frequency attached by ClinVar (database versions not stated): gnomAD exomes below 0.00001.
gnomAD v4.1: 1 of 1,206,622 alleles (0.000083%); no homozygotes.

Submission:

Labcorp Genetics (formerly Invitae), Labcorp
Classification: Uncertain significance for Wilms tumor 1. Last evaluated: 2023-02-20. Review status: criteria provided, single submitter. Criteria: Invitae Variant Classification Sherloc (09022015). Collection method: clinical testing. Allele origin: germline.
Comment: This variant is not present in population databases (gnomAD no frequency). In summary, the available evidence is currently insufficient to determine the role of this variant in disease. Therefore, it has been classified as a Variant of Uncertain Significance. An algorithm developed to predict the effect of missense changes on protein structure and function (PolyPhen-2) suggests that this variant is likely to be disruptive. This variant has not been reported in the literature in individuals affected with GPC3-related conditions. This sequence change replaces alanine, which is neutral and non-polar, with glutamic acid, which is acidic and polar, at codon 524 of the GPC3 protein (p.Ala524Glu).